The following is an entry in ClinVar:

ClinVar aggregate classification (germline): Uncertain significance (1 of 4 stars; one submission).

Submission:

Labcorp Genetics (formerly Invitae), Labcorp
Classification: Uncertain significance. Last evaluated: 2024-11-12. Review status: criteria provided, single submitter. Criteria: Invitae Variant Classification Sherloc (09022015). Collection method: clinical testing. Allele origin: germline.
Comment: This sequence change replaces aspartic acid, which is acidic and polar, with glycine, which is neutral and non-polar, at codon 63 of the GNMT protein (p.Asp63Gly). This variant is not present in population databases (gnomAD no frequency). This variant has not been reported in the literature in individuals affected with GNMT-related conditions. Invitae Evidence Modeling of protein sequence and biophysical properties (such as structural, functional, and spatial information, amino acid conservation, physicochemical variation, residue mobility, and thermodynamic stability) indicates that this missense variant is expected to disrupt GNMT protein function with a positive predictive value of 80%. In summary, the available evidence is currently insufficient to determine the role of this variant in disease. Therefore, it has been classified as a Variant of Uncertain Significance.

NM_018960.6(GNMT):c.188A>G (p.Asp63Gly)

Genes: CNPY3-GNMT (CNPY3-GNMT readthrough; plus strand), GNMT (glycine N-methyltransferase; plus strand). Cytogenetic location: 6p21.1.
Variant type: single nucleotide variant.
Coding change: c.188A>G on transcript NM_018960.6 (MANE Select); coding-DNA position 188, A replaced by G.
Protein change: p.Asp63Gly; replaces aspartic acid 63 with glycine.
Molecular consequence: missense variant. On other transcripts: non-coding transcript variant (1), intron variant (3).
Genome position (GRCh38, 1-based): chr6:42,960,955, A>G. VCF-style: chr6-42960955-A-G. GRCh37 (hg19) VCF-style: chr6-42928693-A-G.
Other names: c.188A>G, p.Asp63Gly (NM_001318865.2); c.9-1257A>G (NM_001318856.2); c.152-1807A>G (NM_001318857.2, NM_001318858.2); short protein forms D63G.
Identifiers: ClinVar variation 3666214 (VCV003666214.2).
Genomic context (GRCh38, chr6:42,960,955, plus strand): 5'-CCGAGTACAAGGCATGGCTGCTTGGGCTGCTGCGCCAGCACGGCTGCCAGCGGGTGCTCG[A>G]CGTAGCCTGTGGCACTGGGTGAGCCCAGGCCGGGGCCGGGGGCGTTGCATGAGATCGGGG-3'
Protein context (NP_061833.1, residues 53-73): LRQHGCQRVL[Asp63Gly]VACGTGVDSI